The following is an entry in ClinVar:

ClinVar aggregate classification (germline): Benign/Likely benign. Review status: criteria provided, multiple submitters, no conflicts (2 of 4 stars). 3 submissions from 3 submitters: Benign (2); Likely benign (1). Last evaluated 2026-01-29.

Conditions:
Hereditary diffuse gastric adenocarcinoma (HDGC). Also called: DIFFUSE GASTRIC AND LOBULAR BREAST CANCER SYNDROME. Identifiers: Orphanet 26106, MedGen C1708349, MONDO:0007648, OMIM 137215.
Hereditary cancer-predisposing syndrome. Also called: Neoplastic Syndromes, Hereditary; Hereditary neoplastic syndrome; Tumor predisposition; Hereditary Cancer Syndrome. Identifiers: Orphanet 140162, MedGen C0027672, MeSH D009386, MONDO:0015356.

Allele frequency attached by ClinVar (database versions not stated): ExAC 0.00001; gnomAD exomes 0.00002; gnomAD 0.00005 and 0.00006; TOPMed 0.00008.
gnomAD v4.1: 26 of 1,611,572 alleles (0.0016%); highest among the groups gnomAD compares: Admixed American, 0.017%; no homozygotes.

Submissions (3):

Labcorp Genetics (formerly Invitae), Labcorp
Classification: Likely benign. Last evaluated: 2026-01-29. Review status: criteria provided, single submitter. Criteria: Invitae Variant Classification Sherloc (09022015). Collection method: clinical testing. Allele origin: germline.

Myriad Genetics, Inc.
Classification: Benign for Hereditary diffuse gastric adenocarcinoma. Last evaluated: 2024-10-11. Review status: criteria provided, single submitter. Criteria: Myriad Autosomal Dominant, Autosomal Recessive and X-Linked Classification Criteria (2023). Collection method: clinical testing. Allele origin: unknown.
Comment: This variant is considered benign. This variant is a silent/synonymous amino acid change and it is not expected to impact splicing.

Ambry Genetics
Classification: Benign for Hereditary cancer-predisposing syndrome. Last evaluated: 2021-12-22. Review status: criteria provided, single submitter. Criteria: Ambry Variant Classification Scheme 2023. Collection method: clinical testing. Allele origin: germline.

NM_001903.5(CTNNA1):c.1263A>G (p.Gln421=)

Gene: CTNNA1 (catenin alpha 1; plus strand). Cytogenetic location: 5q31.2.
Variant type: single nucleotide variant.
Coding change: c.1263A>G on transcript NM_001903.5 (MANE Select); coding-DNA position 1263, A replaced by G.
Protein change: p.Gln421=; no amino-acid change (glutamine 421 retained).
Molecular consequence: synonymous variant. On other transcripts: 5 prime UTR variant (5), intron variant (2).
Genome position (GRCh38, 1-based): chr5:138,887,609, A>G. VCF-style: chr5-138887609-A-G. GRCh37 (hg19) VCF-style: chr5-138223298-A-G.
Other names: c.1263A>G, p.Gln421= (NM_001290307.3, NM_001323982.2, NM_001323983.1 and 3 more transcripts); c.954A>G, p.Gln318= (NM_001290309.3); c.894A>G, p.Gln298= (NM_001290310.3); c.153A>G, p.Gln51= (NM_001290312.1, NM_001323987.1, NM_001323988.1 and 18 more transcripts); c.-245A>G (NM_001324006.1, NM_001324007.1, NM_001324008.1 and 1 more transcripts); c.-120A>G (NM_001324013.1); c.-58+12012A>G (NM_001324012.1); c.-61+12012A>G (NM_001324010.1).
Identifiers: ClinVar variation 770106 (VCV000770106.14), dbSNP rs768184454, ClinGen allele CA3431888.